The following is an entry in ClinVar:

NM_001204.7(BMPR2):c.287A>G (p.Tyr96Cys)

Gene: BMPR2 (bone morphogenetic protein receptor type 2; plus strand). Cytogenetic location: 2q33.1.
Variant type: single nucleotide variant.
Coding change: c.287A>G on transcript NM_001204.7 (MANE Select); coding-DNA position 287, A replaced by G.
Protein change: p.Tyr96Cys; replaces tyrosine 96 with cysteine.
Molecular consequence: missense variant.
Genome position (GRCh38, 1-based): chr2:202,467,558, A>G. VCF-style: chr2-202467558-A-G. GRCh37 (hg19) VCF-style: chr2-203332281-A-G.
Other names: short protein forms Y96C.
Identifiers: ClinVar variation 4843360 (VCV004843360.1).

ClinVar aggregate classification (germline): Uncertain significance (1 of 4 stars; one submission).

Conditions:
Inborn genetic diseases. Identifiers: MedGen C0950123, MeSH D030342.

gnomAD v4.1: 1 of 1,570,078 alleles (0.000064%); highest among the groups gnomAD compares: Non-Finnish European, 0.000088%; no homozygotes.

Submission:

Ambry Genetics
Classification: Uncertain significance for Inborn genetic diseases. Last evaluated: 2025-12-22. Review status: criteria provided, single submitter. Criteria: Ambry Variant Classification Scheme 2023. Collection method: clinical testing. Allele origin: germline.
Comment: The p.Y96C variant (also known as c.287A>G), located in coding exon 3 of the BMPR2 gene, results from an A to G substitution at nucleotide position 287. The tyrosine at codon 96 is replaced by cysteine, an amino acid with highly dissimilar properties. This amino acid position is conserved. In addition, the in silico prediction for this alteration is inconclusive. Based on the available evidence, the clinical significance of this variant remains unclear.